The following is an entry in ClinVar:

ClinVar aggregate classification (germline): Likely benign (0 of 4 stars; one submission).

Conditions:
CABIN1-related disorder. Also called: CABIN1-related condition.

Allele frequency attached by ClinVar (database versions not stated): gnomAD 0.00014; ESP Exome Variant Server 0.00015; TOPMed 0.00015; ExAC 0.00016.
gnomAD v4.1: 543 of 1,614,112 alleles (0.034%); highest among the groups gnomAD compares: Non-Finnish European, 0.045%; no homozygotes.

Submission:

PreventionGenetics, part of Exact Sciences
Classification: Likely benign for CABIN1-related condition. Last evaluated: 2019-10-28. Review status: no assertion criteria provided. Collection method: clinical testing. Allele origin: germline.
Comment: This variant is classified as likely benign based on ACMG/AMP sequence variant interpretation guidelines (Richards et al. 2015 PMID: 25741868, with internal and published modifications).

NM_012295.4(CABIN1):c.2394C>T (p.Leu798=)

Gene: CABIN1 (calcineurin binding protein 1; plus strand). Cytogenetic location: 22q11.23.
Variant type: single nucleotide variant.
Coding change: c.2394C>T on transcript NM_012295.4 (MANE Select); coding-DNA position 2394, C replaced by T.
Protein change: p.Leu798=; no amino-acid change (leucine 798 retained).
Molecular consequence: synonymous variant.
Genome position (GRCh38, 1-based): chr22:24,070,961, C>T. VCF-style: chr22-24070961-C-T. GRCh37 (hg19) VCF-style: chr22-24466912-C-T.
Other names: c.2394C>T, p.Leu798= (NM_001199281.1); c.2244C>T, p.Leu748= (NM_001201429.2).
Identifiers: ClinVar variation 3045498 (VCV003045498.2), dbSNP rs147374271, ClinGen allele CA10148873.
Genomic context (GRCh38, chr22:24,070,961, plus strand): 5'-CGCCAAGGAGGAGTGGGTGGCCACAGTGACCCAACTGCTGATGGGCATCGAGCAGGCCCT[C>T]TCTGCGGACAGCAGTGGTAGCATCCTGAAGGTATCATCCTCCACCACTGGCCTTGTGCGG-3'
Protein context (NP_036427.1, residues 788-808): TQLLMGIEQA[Leu798=]SADSSGSILK